The following is an entry in ClinVar:

ClinVar aggregate classification (germline): Uncertain significance (1 of 4 stars; one submission).

Conditions:
NPHP3-related Meckel-like syndrome. Also called: Meckel syndrome type 7; GOLDSTON SYNDROME. Identifiers: Orphanet 3032, MedGen C2673885, MONDO:0009966, OMIM 267010.
Renal-hepatic-pancreatic dysplasia 1 (RHPD1). Identifiers: MedGen C3715199, MONDO:0008833, OMIM 208540.
Nephronophthisis 3 (NPHP3). Also called: Adolescent nephronophthisis. Identifiers: Orphanet 655, MedGen C1858392, MONDO:0011456, OMIM 604387.

Submission:

Juno Genomics, Hangzhou Juno Genomics, Inc
Classification: Uncertain significance for NPHP3-related Meckel-like syndrome; Nephronophthisis 3; Renal-hepatic-pancreatic dysplasia 1. Review status: criteria provided, single submitter. Criteria: ACMG Guidelines, 2015. Collection method: clinical testing. Allele origin: germline.
Comment: Absent from controls (or at extremely low frequency if recessive) in Genome Aggregation Database.;Multiple lines of computational evidence support a deleterious effect on the gene or gene product.

NM_153240.5(NPHP3):c.2903G>A (p.Arg968Lys)

Genes: NPHP3-ACAD11 (NPHP3-ACAD11 readthrough (NMD candidate); minus strand), NPHP3 (nephrocystin 3; minus strand). Cytogenetic location: 3q22.1.
Variant type: single nucleotide variant.
Coding change: c.2903G>A on transcript NM_153240.5 (MANE Select); coding-DNA position 2903, G replaced by A.
Protein change: p.Arg968Lys; replaces arginine 968 with lysine.
Molecular consequence: missense variant. On other transcripts: non-coding transcript variant (1).
Genome position (GRCh38, 1-based): chr3:132,688,872, C>T on the plus strand (G>A on the coding strand, the complement: NPHP3 is on the minus strand). VCF-style: chr3-132688872-C-T. GRCh37 (hg19) VCF-style: chr3-132407716-C-T.
Other names: short protein forms R968K.
Identifiers: ClinVar variation 5019303 (VCV005019303.2).